The following is an entry in ClinVar:

ClinVar aggregate classification (somatic clinical impact): Tier I - Strong (1 of 4 stars; one submission).

Conditions:
Low grade glioma. Identifiers: MedGen C1997217, MONDO:0021637.

Submission:

Institute for Genomic Medicine (IGM) Clinical Laboratory, Nationwide Children's Hospital
Classification: Tier I - Strong for Low grade glioma. Assertion type: diagnostic. Clinical significance: supports diagnosis. Last evaluated: 2023-08-11. Review status: criteria provided, single submitter. Criteria: AMP/ASCO/CAP Guidelines, 2017. Collection method: clinical testing. Allele origin: somatic. Affected: yes.
Comment: Variant has Tier I (strong) clinical significance as a diagnostic inclusion criterion in low grade glioma, based on the following evidence: 1) Diagnostic for a specific tumor type/classification based on well-powered studies with expert-level consensus (Evidence Level B; PMIDs: 32289278, 28912153, 32859279, 31250151).

Literature cited by the submitters: PubMed 32289278; PubMed 28912153; PubMed 32859279; PubMed 31250151.

NM_006218.4(PIK3CA):c.325_330delinsCTT (p.Glu109_Glu110delinsLeu)

Gene: PIK3CA (phosphatidylinositol-4,5-bisphosphate 3-kinase catalytic subunit alpha; plus strand). Cytogenetic location: 3q26.32.
Variant type: Indel.
Coding change: c.325_330delinsCTT on transcript NM_006218.4 (MANE Select); coding-DNA positions 325 to 330, GAAGAA replaced by CTT.
Protein change: p.Glu109_Glu110delinsLeu.
Molecular consequence: inframe indel.
Genome position (GRCh38, 1-based): chr3:179,199,150-179,199,155, GAAGAA replaced by CTT. VCF-style: chr3-179199150-GAAGAA-CTT. GRCh37 (hg19) VCF-style: chr3-178916938-GAAGAA-CTT.
Identifiers: ClinVar variation 4530365 (VCV004530365.1).